The following is an entry in ClinVar:

NM_004409.5(DMPK):c.161-100G>C

Gene: DMPK (DM1 protein kinase; minus strand). Cytogenetic location: 19q13.32.
Variant type: single nucleotide variant.
Coding change: c.161-100G>C on transcript NM_004409.5 (MANE Select); 100 bases into the intron before coding-DNA position 161, G replaced by C.
Molecular consequence: intron variant. On other transcripts: missense variant (1).
Genome position (GRCh38, 1-based): chr19:45,779,969, C>G on the plus strand (G>C on the coding strand, the complement: DMPK is on the minus strand). VCF-style: chr19-45779969-C-G. GRCh37 (hg19) VCF-style: chr19-46283227-C-G.
Other names: c.91G>C, p.Gly31Arg (NM_001081563.3); c.-330-100G>C (NM_001424166.1); c.161-100G>C (NM_001288766.2, NM_001424169.1, NM_001081562.3 and 5 more transcripts); c.239-100G>C (NM_001424163.1, NM_001288764.2); short protein forms G31R.
Identifiers: ClinVar variation 4977986 (VCV004977986.1).

ClinVar aggregate classification (germline): Uncertain significance (1 of 4 stars; one submission).

Conditions:
DMPK-related disorder. Also called: DMPK-related condition.

gnomAD v4.1: 7 of 1,581,882 alleles (0.00044%); highest among the groups gnomAD compares: Admixed American, 0.0074%; no homozygotes.

Submission:

PreventionGenetics, part of Exact Sciences
Classification: Uncertain significance for DMPK-related condition. Last evaluated: 2026-01-21. Review status: criteria provided, single submitter. Criteria: ACMG Guidelines, 2015. Collection method: clinical testing. Allele origin: germline.
Comment: The DMPK c.91G>C variant is predicted to result in the amino acid substitution p.Gly31Arg. This variant has been reported to co-segregate with disease in five affected individuals from a family with congenital cataracts and/or hearing loss and neuropathy (Penon-Portmann et al. 2025. PubMed ID: 39166438). In the MANE Select transcript (NM_004409) this variant can be referred to as DMPK c.161-100G>C (Intronic); and, it is not reported to be associated with DMPK-related features in the affected members of this family or mechanism of action for this gene (Penon-Portmann et al. 2025. PubMed ID: 39166438). This variant has not been reported in a large population database (gnomAD), indicating this variant is rare. At this time, the clinical significance of this variant is uncertain due to the absence of conclusive functional and genetic evidence.